The following is an entry in ClinVar:

ClinVar aggregate classification (germline): Pathogenic/Likely pathogenic. Review status: criteria provided, multiple submitters, no conflicts (2 of 4 stars). 11 submissions from 11 submitters: Pathogenic (6); Likely pathogenic (3). 2 of the submissions do not count toward it. Last evaluated 2026-02-01.

Conditions:
Inborn genetic diseases. Identifiers: MedGen C0950123, MeSH D030342.
Hereditary cancer-predisposing syndrome. Also called: Neoplastic Syndromes, Hereditary; Tumor predisposition; Hereditary Cancer Syndrome; Hereditary neoplastic syndrome. Identifiers: Orphanet 140162, MedGen C0027672, MeSH D009386, MONDO:0015356.
ERCC2-related disorder. Also called: ERCC2-related disorders; ERCC2-related conditions; ERCC2-related condition. Identifiers: MedGen CN239291.
Trichothiodystrophy 1, photosensitive (TTD1). Also called: TAY SYNDROME; TRICHOTHIODYSTROPHY WITH CONGENITAL ICHTHYOSIS; PIBIDS SYNDROME. Identifiers: Orphanet 33364, MedGen C1866504, MONDO:0011125, OMIM 601675.
Cerebrooculofacioskeletal syndrome 2 (COFS2). Identifiers: MedGen C1853102, MONDO:0012553, OMIM 610756.
Xeroderma pigmentosum, group D (XPD). Also called: XERODERMA PIGMENTOSUM IV; XP, GROUP D; ERCC2-Related Xeroderma Pigmentosum; XERODERMA PIGMENTOSUM, COMPLEMENTATION GROUP D; XP, GROUP H. Identifiers: MedGen C0268138, MONDO:0010212, OMIM 278730.

Allele frequency attached by ClinVar (database versions not stated): TOPMed 0.00004; ExAC 0.00005; gnomAD exomes 0.00006; gnomAD 0.00003.

Submissions (11):

Labcorp Genetics (formerly Invitae), Labcorp
Classification: Pathogenic. Last evaluated: 2026-02-01. Review status: criteria provided, single submitter. Criteria: Invitae Variant Classification Sherloc (09022015). Collection method: clinical testing. Allele origin: germline.
Comment: This sequence change replaces arginine, which is basic and polar, with tryptophan, which is neutral and slightly polar, at codon 683 of the ERCC2 protein (p.Arg683Trp). This variant is present in population databases (rs41556519, gnomAD 0.01%). This missense change has been observed in individual(s) with xeroderma pigmentosum (PMID: 7585650, 18637129). In at least one individual the data is consistent with being in trans (on the opposite chromosome) from a pathogenic variant. This variant is also known as 2125C>T. ClinVar contains an entry for this variant (Variation ID: 16793). An algorithm developed to predict the effect of missense changes on protein structure and function (PolyPhen-2) suggests that this variant is likely to be disruptive. This variant disrupts the p.Arg683 amino acid residue in ERCC2. Other variant(s) that disrupt this residue have been determined to be pathogenic (PMID: 9238033, 22826098, 24418926, 29169765). This suggests that this residue is clinically significant, and that variants that disrupt this residue are likely to be disease-causing. For these reasons, this variant has been classified as Pathogenic.

Molecular Diagnostics Laboratory, Catalan Institute of Oncology
Classification: Likely pathogenic for Hereditary cancer-predisposing syndrome. Last evaluated: 2025-05-06. Review status: criteria provided, single submitter. Criteria: ACMG Guidelines, 2015. Collection method: clinical testing. Allele origin: germline.
Comment: PP3_Moderate, PS3 c.2047C>T, located in exon 22 of the ERCC2 gene, is predicted to result in the substitution of arginine by tryptophan at codon 683, p.(Arg683Trp). This variant is found in 17/268052 alleles at a frequency of 0.006% in the gnomAD v2.1.1 database, non-cancer data set. The SpliceAI algorithm predicts no significant impact on splicing. The REVEL meta-predictor score for this variant (0.96) suggests a deleterious effect on protein function according to Pejaver 2022 thresholds (PMID: 36413997) (PP3_Moderate). A functional study reported that R683W disrupts the initial TFIIH formation and recruitment of NER factors, compromising repair function (PMID: 25620205) (PS3). It has been reported in multiple trichothiodystrophy and xeroderma pigmentosum-affected individuals (PMID: 7920640, 7585650, 9238033, 11710928). This variant has been reported in the ClinVar database (6x pathogenic, 2x likely pathogenic) and is not reported in the LOVD. Based on currently available information, the variant c.2047C>T should be considered a likely pathogenic variant.

Baylor Genetics
Classification: Pathogenic for Cerebrooculofacioskeletal syndrome 2. Last evaluated: 2023-12-10. Review status: criteria provided, single submitter. Criteria: ACMG Guidelines, 2015. Collection method: clinical testing. Allele origin: unknown.

Blueprint Genetics
Classification: Pathogenic for ERCC2-related disorders. Last evaluated: 2022-04-22. Review status: criteria provided, single submitter. Criteria: ACMG Guidelines, 2015. Collection method: clinical testing. Allele origin: germline. Affected: yes. Observed: 5 variant alleles.

GeneDx
Classification: Pathogenic. Last evaluated: 2021-11-30. Review status: criteria provided, single submitter. Criteria: GeneDx Variant Classification Process June 2021. Collection method: clinical testing. Allele origin: germline. Affected: yes.
Comment: Published functional studies demonstrate a damaging effect on protein function; specifically, R683W deregulates the early recruitment of TFIIH and NER factors, weakens the interaction with the GTF2H2 subunit, and destabilizes the architecture of TFIIH (Singh et al., 2015; Drane et al., 2004); In silico analysis supports that this missense variant has a deleterious effect on protein structure/function; This variant is associated with the following publications: (PMID: 7585650, 18510925, 27745642, 11443545, 26884178, 18817897, 22234153, 23221806, 24418926, 15494306, 24252196, 11734544, 9238033, 25431422, 18637129, 22826098, 9101292, 18628313, 25716912, 7920640, 18470933, 18603627, 19934020, 33996357, 31589614, 25620205)

Victorian Clinical Genetics Services, Murdoch Childrens Research Institute
Classification: Pathogenic for Xeroderma pigmentosum, group D. Last evaluated: 2021-05-06. Review status: criteria provided, single submitter. Criteria: ACMG Guidelines, 2015. Collection method: clinical testing. Allele origin: germline. Inheritance: Autosomal recessive inheritance. Affected: yes.
Comment: Based on the classification scheme VCGS_Germline_v1.3.3, this variant is classified as Pathogenic. Following criteria are met: 0102 - Loss of function is a known mechanism of disease in this gene and is associated with xeroderma pigmentosum, group D (MIM#278730). (I) 0107 - This gene is associated with autosomal dominant disease. (I) 0200 - Variant is predicted to result in a missense amino acid change from arginine to tryptophan. (I) 0251 - This variant is heterozygous. (I) 0304 - Variant is present in gnomAD (v2) <0.01 for a recessive condition (17 heterozygotes, 0 homozygotes). (SP) 0309 - Alternative amino acid changes at the same position have been observed in gnomAD (v2) (4 heterozygotes, 0 homozygotes). (I) 0501 - Missense variant consistently predicted to be damaging by multiple in silico tools and highly conserved with a major amino acid change. (SP) 0600 - Variant is located in the annotated helicase C-terminal domain (PDB). (I) 0703 - Another missense variant comparable to the one identified in this case has moderate previous evidence for pathogenicity. An alternate change to glutamine at the same residue has previously been reported as pathogenic in multiple individuals affected with xeroderma pigmentosum (PMID: 26884178). (SP) 0801 - This variant has strong previous evidence of pathogenicity in unrelated individuals. The variant has previously been reported as pathogenic, either in a homozygous or compound heterozygous state, in many patients with xeroderma pigmentosum, group D (MIM#278730) (ClinVar, HGMD, PMID: 7585650, PMID: 26884178). (SP) 1102 - Strong phenotype match for this individual. (SP) 1201 - Heterozygous variant detected in trans with a second likely pathogenic heterozygous variant (NM_000400.3(ERCC2):c.594+2_594+5delTGAG; p(?)) in a recessive disease. (I) Legend: (SP) - Supporting pathogenic, (I) - Information, (SB) - Supporting benign

Fulgent Genetics
Classification: Pathogenic for Xeroderma pigmentosum, group D; Trichothiodystrophy 1, photosensitive; Cerebrooculofacioskeletal syndrome 2. Last evaluated: 2018-10-31. Review status: criteria provided, single submitter. Criteria: ACMG Guidelines, 2015. Collection method: clinical testing. Allele origin: unknown.

Ambry Genetics
Classification: Likely pathogenic for Inborn genetic diseases. Last evaluated: 2017-02-08. Review status: criteria provided, single submitter. Criteria: Ambry exome assertion method (8-5-2015). Collection method: clinical testing. Allele origin: germline. Affected: yes. Observed: 1 variant allele.

Juno Genomics, Hangzhou Juno Genomics, Inc
Classification: Likely pathogenic for Xeroderma pigmentosum, group D. Review status: criteria provided, single submitter. Criteria: ACMG Guidelines, 2015. Collection method: clinical testing. Allele origin: germline.
Comment: Absent from controls (or at extremely low frequency if recessive) in Genome Aggregation Database.;For recessive disorders, detected in trans with a pathogenic variant.;Patient's phenotype or family history is highly specific for a disease with a single genetic etiology.;Well-established in vitro or in vivo functional studies supportive of a damaging effect on the gene or gene product.

OMIM
Classification: Pathogenic for XERODERMA PIGMENTOSUM, COMPLEMENTATION GROUP D. Last evaluated: 2004-10-22. Review status: no assertion criteria provided. Collection method: literature only. Allele origin: germline. Not counted in ClinVar's aggregate classification.

GeneReviews
No classification provided. Condition: Xeroderma pigmentosum, group D. Review status: no classification provided. Collection method: literature only. Allele origin: germline. Affected: yes. Not counted in ClinVar's aggregate classification.

Literature cited by the submitters: PubMed 7585650 (cited by 3 submitters); PubMed 18637129 (cited by Labcorp Genetics (formerly Invitae), Labcorp); PubMed 9238033 (cited by Labcorp Genetics (formerly Invitae), Labcorp and Ambry Genetics); PubMed 22826098 (cited by 3 submitters); PubMed 24418926 (cited by Labcorp Genetics (formerly Invitae), Labcorp and Ambry Genetics); PubMed 29169765 (cited by Labcorp Genetics (formerly Invitae), Labcorp); PubMed 26884178 (cited by Victorian Clinical Genetics Services, Murdoch Childrens Research Institute and Ambry Genetics); PubMed 8571952 (cited by Ambry Genetics); PubMed 19934020 (cited by Ambry Genetics); PubMed 18510925 (cited by Ambry Genetics); PubMed 25620205 (cited by Ambry Genetics); PubMed 15494306 (cited by Ambry Genetics and OMIM); NCBI Bookshelf NBK1397 (cited by GeneReviews).

NM_000400.4(ERCC2):c.2047C>T (p.Arg683Trp)

Gene: ERCC2 (ERCC excision repair 2, TFIIH core complex helicase subunit; minus strand). Cytogenetic location: 19q13.32.
Variant type: single nucleotide variant.
Coding change: c.2047C>T on transcript NM_000400.4 (MANE Select); coding-DNA position 2047, C replaced by T.
Protein change: p.Arg683Trp; replaces arginine 683 with tryptophan.
Molecular consequence: missense variant.
Genome position (GRCh38, 1-based): chr19:45,352,352, G>A on the plus strand (C>T on the coding strand, the complement: ERCC2 is on the minus strand). VCF-style: chr19-45352352-G-A. GRCh37 (hg19) VCF-style: chr19-45855610-G-A.
Other names: R683W.
Identifiers: ClinVar variation 16793 (VCV000016793.24), dbSNP rs41556519, ClinGen allele CA257630.